The following is an entry in ClinVar:

NM_199242.3(UNC13D):c.2269C>T (p.Arg757Cys)

Gene: UNC13D (unc-13 homolog D; minus strand). Cytogenetic location: 17q25.1.
Variant type: single nucleotide variant.
Coding change: c.2269C>T on transcript NM_199242.3 (MANE Select); coding-DNA position 2269, C replaced by T.
Protein change: p.Arg757Cys; replaces arginine 757 with cysteine.
Molecular consequence: missense variant.
Genome position (GRCh38, 1-based): chr17:75,834,354, G>A on the plus strand (C>T on the coding strand, the complement: UNC13D is on the minus strand). VCF-style: chr17-75834354-G-A. GRCh37 (hg19) VCF-style: chr17-73830435-G-A.
Other names: c.2269C>T (NM_199242.2); short protein forms R757C.
Identifiers: ClinVar variation 1368716 (VCV001368716.4), dbSNP rs1207229316, ClinGen allele CA401088072.
Genomic context (GRCh38, chr17:75,834,354, plus strand): 5'-GATGGGGTGACTGTGCGGTCGGACAAGGTACCTGCTCGGCCAGGGTGCGGACGCCAGTGC[G>A]GATCTCATGGCCCAGCCCGGCCAGCGCGCTCTGCAGCTGGGCATGCAGCGTGTTCTGCAG-3'
Protein context (NP_954712.1, residues 747-767): SALAGLGHEI[Arg757Cys]TGVRTLAEQL

ClinVar aggregate classification (germline): Uncertain significance. Review status: criteria provided, multiple submitters, no conflicts (2 of 4 stars). 2 submissions from 2 submitters: Uncertain significance (2). Last evaluated 2025-08-06.

Conditions:
Inborn genetic diseases. Identifiers: MedGen C0950123, MeSH D030342.
Familial hemophagocytic lymphohistiocytosis 3 (FHL3). Also called: UNC13D-Related Familial Hemophagocytic Lymphohistiocytosis (UNC13D-fHLH). Identifiers: Orphanet 540, MedGen C1837174, MONDO:0012146, OMIM 608898.

Allele frequency attached by ClinVar (database versions not stated): gnomAD exomes below 0.00001; TOPMed 0.00001.

Submissions (2):

Ambry Genetics
Classification: Uncertain significance for Inborn genetic diseases. Last evaluated: 2025-08-06. Review status: criteria provided, single submitter. Criteria: Ambry Variant Classification Scheme 2023. Collection method: clinical testing. Allele origin: germline.

Labcorp Genetics (formerly Invitae), Labcorp
Classification: Uncertain significance for Familial hemophagocytic lymphohistiocytosis 3. Last evaluated: 2022-07-21. Review status: criteria provided, single submitter. Criteria: Invitae Variant Classification Sherloc (09022015). Collection method: clinical testing. Allele origin: germline.
Comment: This sequence change replaces arginine, which is basic and polar, with cysteine, which is neutral and slightly polar, at codon 757 of the UNC13D protein (p.Arg757Cys). This variant is present in population databases (no rsID available, gnomAD 0.0008%). This variant has not been reported in the literature in individuals affected with UNC13D-related conditions. ClinVar contains an entry for this variant (Variation ID: 1368716). Algorithms developed to predict the effect of missense changes on protein structure and function are either unavailable or do not agree on the potential impact of this missense change (SIFT: "Not Available"; PolyPhen-2: "Benign"; Align-GVGD: "Not Available"). In summary, the available evidence is currently insufficient to determine the role of this variant in disease. Therefore, it has been classified as a Variant of Uncertain Significance.